The following is an entry in ClinVar:

NM_004329.3(BMPR1A):c.1543T>C (p.Leu515=)

Gene: BMPR1A (bone morphogenetic protein receptor type 1A; plus strand). Cytogenetic location: 10q23.2.
Variant type: single nucleotide variant.
Coding change: c.1543T>C on transcript NM_004329.3 (MANE Select); coding-DNA position 1543, T replaced by C.
Protein change: p.Leu515=; no amino-acid change (leucine 515 retained).
Molecular consequence: synonymous variant.
Genome position (GRCh38, 1-based): chr10:86,923,663, T>C. VCF-style: chr10-86923663-T-C. GRCh37 (hg19) VCF-style: chr10-88683420-T-C.
Identifiers: ClinVar variation 724589 (VCV000724589.19), dbSNP rs746700427, ClinGen allele CA5585748.
Genomic context (GRCh38, chr10:86,923,663, plus strand): 5'-GCAGTTTTGAAGCTAATGTCAGAATGCTGGGCCCACAATCCAGCCTCCAGACTCACAGCA[T>C]TGAGAATTAAGAAGACGCTTGCCAAGATGGTTGAATCCCAAGATGTAAAAATCTGATGGT-3'
Protein context (NP_004320.2, residues 505-525): AHNPASRLTA[Leu515=]RIKKTLAKMV

ClinVar aggregate classification (germline): Benign/Likely benign. Review status: criteria provided, multiple submitters, no conflicts (2 of 4 stars). 5 submissions from 5 submitters: Benign (1); Likely benign (4). Last evaluated 2025-11-17.

Conditions:
Juvenile polyposis syndrome (JPS). Identifiers: Orphanet 2929, MedGen C0345893, MONDO:0017380, OMIM 174900.
Hereditary cancer-predisposing syndrome. Also called: Hereditary neoplastic syndrome; Neoplastic Syndromes, Hereditary; Tumor predisposition; Hereditary Cancer Syndrome. Identifiers: Orphanet 140162, MedGen C0027672, MeSH D009386, MONDO:0015356.

Allele frequency attached by ClinVar (database versions not stated): gnomAD exomes 0.00001; TOPMed 0.00001; ExAC 0.00002.
gnomAD v4.1: 6 of 1,614,216 alleles (0.00037%); highest among the groups gnomAD compares: Non-Finnish European, 0.00042%; no homozygotes.

Submissions (5):

Labcorp Genetics (formerly Invitae), Labcorp
Classification: Likely benign for Juvenile polyposis syndrome. Last evaluated: 2025-11-17. Review status: criteria provided, single submitter. Criteria: Invitae Variant Classification Sherloc (09022015). Collection method: clinical testing. Allele origin: germline.

Myriad Genetics, Inc.
Classification: Benign for Juvenile polyposis syndrome. Last evaluated: 2024-08-08. Review status: criteria provided, single submitter. Criteria: Myriad Autosomal Dominant, Autosomal Recessive and X-Linked Classification Criteria (2023). Collection method: clinical testing. Allele origin: unknown.
Comment: This variant is considered benign. This variant is a silent/synonymous amino acid change and it is not expected to impact splicing.

All of Us Research Program, National Institutes of Health
Classification: Likely benign for Juvenile polyposis syndrome. Last evaluated: 2024-04-10. Review status: criteria provided, single submitter. Criteria: ACMG Guidelines, 2015. Collection method: clinical testing. Allele origin: germline. Inheritance: Autosomal dominant inheritance. Observed: 1 variant allele, 1 heterozygote.
Comment: This study involves interpretation of variants in research participants for the purpose of population health screening. Participant phenotype was not available at the time of variant classification. Additional details can be found in publication PMID: 35346344, PMCID: PMC8962531

Color Diagnostics, LLC DBA Color Health
Classification: Likely benign for Hereditary cancer-predisposing syndrome. Last evaluated: 2019-02-22. Review status: criteria provided, single submitter. Criteria: ACMG Guidelines, 2015. Collection method: clinical testing. Allele origin: germline.

Ambry Genetics
Classification: Likely benign for Hereditary cancer-predisposing syndrome. Last evaluated: 2018-12-14. Review status: criteria provided, single submitter. Criteria: Ambry Variant Classification Scheme 2023. Collection method: clinical testing. Allele origin: germline.